The following is an entry in ClinVar:

NM_000163.5(GHR):c.1133G>A (p.Gly378Glu)

Gene: GHR (growth hormone receptor; plus strand). Cytogenetic location: 5p12.
Variant type: single nucleotide variant.
Coding change: c.1133G>A on transcript NM_000163.5 (MANE Select); coding-DNA position 1133, G replaced by A.
Protein change: p.Gly378Glu; replaces glycine 378 with glutamic acid.
Molecular consequence: missense variant. On other transcripts: 3 prime UTR variant (1).
Genome position (GRCh38, 1-based): chr5:42,718,640, G>A. VCF-style: chr5-42718640-G-A. GRCh37 (hg19) VCF-style: chr5-42718742-G-A.
Other names: c.1154G>A, p.Gly385Glu (NM_001242399.2); c.1133G>A, p.Gly378Glu (NM_001242400.2, NM_001242401.4, NM_001242402.2 and 4 more transcripts); c.1067G>A, p.Gly356Glu (NM_001242460.2); c.*175G>A (NM_001242462.1); short protein forms G356E, G385E, G378E.
Identifiers: ClinVar variation 1904877 (VCV001904877.2), dbSNP rs760932807, ClinGen allele CA3254599.

ClinVar aggregate classification (germline): Uncertain significance (1 of 4 stars; one submission).

Allele frequency attached by ClinVar (database versions not stated): gnomAD 0.00001; gnomAD exomes 0.00002; ExAC 0.00003.
gnomAD v4.1: 15 of 1,614,012 alleles (0.00093%); highest among the groups gnomAD compares: Admixed American, 0.025%; no homozygotes.

Submission:

Labcorp Genetics (formerly Invitae), Labcorp
Classification: Uncertain significance. Last evaluated: 2022-02-23. Review status: criteria provided, single submitter. Criteria: Invitae Variant Classification Sherloc (09022015). Collection method: clinical testing. Allele origin: germline.
Comment: This sequence change replaces glycine, which is neutral and non-polar, with glutamic acid, which is acidic and polar, at codon 378 of the GHR protein (p.Gly378Glu). This variant is present in population databases (rs760932807, gnomAD 0.04%). This variant has not been reported in the literature in individuals affected with GHR-related conditions. Algorithms developed to predict the effect of missense changes on protein structure and function are either unavailable or do not agree on the potential impact of this missense change (SIFT: "Deleterious"; PolyPhen-2: "Possibly Damaging"; Align-GVGD: "Class C0"). In summary, the available evidence is currently insufficient to determine the role of this variant in disease. Therefore, it has been classified as a Variant of Uncertain Significance.